The following is an entry in ClinVar:

NM_001374353.1(GLI2):c.179C>A (p.Ala60Glu)

Gene: GLI2 (GLI family zinc finger 2; plus strand). Cytogenetic location: 2q14.2.
Variant type: single nucleotide variant.
Coding change: c.179C>A on transcript NM_001374353.1 (MANE Select); coding-DNA position 179, C replaced by A.
Protein change: p.Ala60Glu; replaces alanine 60 with glutamic acid.
Molecular consequence: missense variant. On other transcripts: intron variant (1).
Genome position (GRCh38, 1-based): chr2:120,927,391, C>A. VCF-style: chr2-120927391-C-A. GRCh37 (hg19) VCF-style: chr2-121684967-C-A.
Other names: c.179C>A, p.Ala60Glu (NM_001371271.1, NM_005270.5); c.-121-23852C>A (NM_001374354.1); short protein forms A60E.
Identifiers: ClinVar variation 4620878 (VCV004620878.2).

ClinVar aggregate classification (germline): Uncertain significance. Review status: criteria provided, multiple submitters, no conflicts (2 of 4 stars). 2 submissions from 2 submitters: Uncertain significance (2). Last evaluated 2025-12-11.

Conditions:
Holoprosencephaly 9 (HPE9). Also called: PITUITARY ANOMALIES WITH HOLOPROSENCEPHALY-LIKE FEATURES; HOLOPROSENCEPHALY WITH MICROPHTHALMIA AND FIRST BRANCHIAL ARCH ANOMALIES. Identifiers: Orphanet 2162, MedGen C1835819, MONDO:0012563, OMIM 610829.
Postaxial polydactyly-anterior pituitary anomalies-facial dysmorphism syndrome. Also called: Culler-Jones syndrome. Identifiers: Orphanet 420584, MedGen C4014479, MONDO:0014369, OMIM 615849.
Inborn genetic diseases. Identifiers: MedGen C0950123, MeSH D030342.

gnomAD v4.1: 15 of 1,613,652 alleles (0.00093%); highest among the groups gnomAD compares: South Asian, 0.0011%; no homozygotes.

Submissions (2):

Ambry Genetics
Classification: Uncertain significance for Inborn genetic diseases. Last evaluated: 2025-12-11. Review status: criteria provided, single submitter. Criteria: Ambry Variant Classification Scheme 2023. Collection method: clinical testing. Allele origin: germline.

Labcorp Genetics (formerly Invitae), Labcorp
Classification: Uncertain significance for Postaxial polydactyly-anterior pituitary anomalies-facial dysmorphism syndrome; Holoprosencephaly 9. Last evaluated: 2025-09-24. Review status: criteria provided, single submitter. Criteria: Invitae Variant Classification Sherloc (09022015). Collection method: clinical testing. Allele origin: germline.
Comment: This sequence change replaces alanine, which is neutral and non-polar, with glutamic acid, which is acidic and polar, at codon 60 of the GLI2 protein (p.Ala60Glu). This variant is present in population databases (no rsID available, gnomAD 0.02%). This variant has not been reported in the literature in individuals affected with GLI2-related conditions. An algorithm developed to predict the effect of missense changes on protein structure and function (PolyPhen-2) suggests that this variant is likely to be disruptive. In summary, the available evidence is currently insufficient to determine the role of this variant in disease. Therefore, it has been classified as a Variant of Uncertain Significance.